The following is an entry in ClinVar:

ClinVar aggregate classification (germline): Uncertain significance. Review status: criteria provided, multiple submitters, no conflicts (2 of 4 stars). 2 submissions from 2 submitters: Uncertain significance (2). Last evaluated 2025-05-02.

Conditions:
Cardiovascular phenotype. Identifiers: MedGen CN230736.

gnomAD v4.1: 2 of 1,209,230 alleles (0.00017%); highest among the groups gnomAD compares: Non-Finnish European, 0.00022%; no homozygotes.

Submissions (2):

Ambry Genetics
Classification: Uncertain significance for Cardiovascular phenotype. Last evaluated: 2025-05-02. Review status: criteria provided, single submitter. Criteria: Ambry Variant Classification Scheme 2023. Collection method: clinical testing. Allele origin: germline.
Comment: The p.N197D variant (also known as c.589A>G), located in coding exon 4 of the BGN gene, results from an A to G substitution at nucleotide position 589. The asparagine at codon 197 is replaced by aspartic acid, an amino acid with highly similar properties. Based on data from gnomAD, the G allele has an overall frequency of 0.0005% (1/182931) total alleles studied, with 0 hemizygote(s) observed. The highest observed frequency was 0.0012% (1/81611) of European (non-Finnish) alleles. This amino acid position is highly conserved in available vertebrate species. In addition, this alteration is predicted to be tolerated by in silico analysis. Based on the available evidence, the clinical significance of this variant remains unclear.

Labcorp Genetics (formerly Invitae), Labcorp
Classification: Uncertain significance. Last evaluated: 2024-11-21. Review status: criteria provided, single submitter. Criteria: Invitae Variant Classification Sherloc (09022015). Collection method: clinical testing. Allele origin: germline.
Comment: This sequence change replaces asparagine, which is neutral and polar, with aspartic acid, which is acidic and polar, at codon 197 of the BGN protein (p.Asn197Asp). This variant is present in population databases (rs782374654, gnomAD 0.001%). This variant has not been reported in the literature in individuals affected with BGN-related conditions. Invitae Evidence Modeling of protein sequence and biophysical properties (such as structural, functional, and spatial information, amino acid conservation, physicochemical variation, residue mobility, and thermodynamic stability) indicates that this missense variant is not expected to disrupt BGN protein function with a negative predictive value of 80%. In summary, the available evidence is currently insufficient to determine the role of this variant in disease. Therefore, it has been classified as a Variant of Uncertain Significance.

NM_001711.6(BGN):c.589A>G (p.Asn197Asp)

Gene: BGN (biglycan; plus strand). Cytogenetic location: Xq28.
Variant type: single nucleotide variant.
Coding change: c.589A>G on transcript NM_001711.6 (MANE Select); coding-DNA position 589, A replaced by G.
Protein change: p.Asn197Asp; replaces asparagine 197 with aspartic acid.
Molecular consequence: missense variant.
Genome position (GRCh38, 1-based): chrX:153,506,552, A>G. VCF-style: chrX-153506552-A-G. GRCh37 (hg19) VCF-style: chrX-152772010-A-G.
Other names: c.589A>G (NM_001711.4); short protein forms N197D.
Identifiers: ClinVar variation 3612436 (VCV003612436.3).